The following is an entry in ClinVar:

ClinVar aggregate classification (germline): Uncertain significance (0 of 4 stars; one submission).

Conditions:
TECTA-related disorder. Also called: TECTA-related condition.

Submission:

PreventionGenetics, part of Exact Sciences
Classification: Uncertain significance for TECTA-related condition. Last evaluated: 2024-02-20. Review status: no assertion criteria provided. Collection method: clinical testing. Allele origin: germline.
Comment: The TECTA c.1948T>A variant is predicted to result in the amino acid substitution p.Cys650Ser. To our knowledge, this variant has not been reported in the literature or in a large population database, indicating this variant is rare. At this time, the clinical significance of this variant is uncertain due to the absence of conclusive functional and genetic evidence.

NM_005422.4(TECTA):c.1948T>A (p.Cys650Ser)

Genes: TBCEL-TECTA (TBCEL-TECTA readthrough; plus strand), TECTA (tectorin alpha; plus strand). Cytogenetic location: 11q23.3.
Variant type: single nucleotide variant.
Coding change: c.1948T>A on transcript NM_005422.4 (MANE Select); coding-DNA position 1948, T replaced by A.
Protein change: p.Cys650Ser; replaces cysteine 650 with serine.
Molecular consequence: missense variant.
Genome position (GRCh38, 1-based): chr11:121,127,925, T>A. VCF-style: chr11-121127925-T-A. GRCh37 (hg19) VCF-style: chr11-120998634-T-A.
Other names: c.2905T>A, p.Cys969Ser (NM_001378761.1); short protein forms C650S, C969S.
Identifiers: ClinVar variation 3061152 (VCV003061152.2), dbSNP rs1946629895, ClinGen allele CA383013824.